The following is an entry in ClinVar:

NM_000368.5(TSC1):c.2349G>C (p.Gln783His)

Gene: TSC1 (TSC complex subunit 1; minus strand). Cytogenetic location: 9q34.13.
Variant type: single nucleotide variant.
Coding change: c.2349G>C on transcript NM_000368.5 (MANE Select); coding-DNA position 2349, G replaced by C.
Protein change: p.Gln783His; replaces glutamine 783 with histidine.
Molecular consequence: missense variant. On other transcripts: non-coding transcript variant (5).
Genome position (GRCh38, 1-based): chr9:132,902,647, C>G on the plus strand (G>C on the coding strand, the complement: TSC1 is on the minus strand). VCF-style: chr9-132902647-C-G. GRCh37 (hg19) VCF-style: chr9-135778034-C-G.
Other names: c.2346G>C, p.Gln782His (NM_001162426.2, NM_001406597.1, NM_001406598.1 and 4 more transcripts); c.2196G>C, p.Gln732His (NM_001162427.2, NM_001406610.1); c.1986G>C, p.Gln662His (NM_001362177.2, NM_001406614.1, NM_001406615.1 and 5 more transcripts); c.2349G>C, p.Gln783His (NM_001406592.1, NM_001406593.1, NM_001406594.1 and 5 more transcripts); c.2334G>C, p.Gln778His (NM_001406601.1, NM_001406602.1); c.2331G>C, p.Gln777His (NM_001406603.1, NM_001406604.1); c.2193G>C, p.Gln731His (NM_001406611.1, NM_001406612.1, NM_001406613.1); c.1983G>C, p.Gln661His (NM_001406620.1, NM_001406621.1, NM_001406622.1 and 2 more transcripts); and 3 more; short protein forms Q465H, Q662H, Q732H, Q778H, Q432H, Q783H, Q466H, Q777H.
Identifiers: ClinVar variation 3811243 (VCV003811243.1).

ClinVar aggregate classification (germline): Uncertain significance (1 of 4 stars; one submission).

Conditions:
Hereditary cancer-predisposing syndrome. Also called: Neoplastic Syndromes, Hereditary; Hereditary Cancer Syndrome; Tumor predisposition; Hereditary neoplastic syndrome. Identifiers: Orphanet 140162, MedGen C0027672, MeSH D009386, MONDO:0015356.

Submission:

Ambry Genetics
Classification: Uncertain significance for Hereditary cancer-predisposing syndrome. Last evaluated: 2025-01-18. Review status: criteria provided, single submitter. Criteria: Ambry Variant Classification Scheme 2023. Collection method: clinical testing. Allele origin: germline.
Comment: The p.Q783H variant (also known as c.2349G>C), located in coding exon 16 of the TSC1 gene, results from a G to C substitution at nucleotide position 2349. The glutamine at codon 783 is replaced by histidine, an amino acid with highly similar properties. This amino acid position is conserved. In addition, the in silico prediction for this alteration is inconclusive. Based on the available evidence, the clinical significance of this variant remains unclear.